The following is an entry in ClinVar:

ClinVar aggregate classification (germline): Benign (1 of 4 stars; one submission).

Allele frequency attached by ClinVar (database versions not stated): gnomAD 0.04666 and 0.05109; TOPMed 0.05231; 1000 Genomes Project 30x 0.09510; 1000 Genomes Project 0.10044.
gnomAD v4.1: 7,766 of 151,770 alleles (5.1%); highest among the groups gnomAD compares: East Asian, 31%; 410 homozygotes.

Submission:

GeneDx
Classification: Benign. Last evaluated: 2018-06-16. Review status: criteria provided, single submitter. Criteria: GeneDx Variant Classification (06012015). Collection method: clinical testing. Allele origin: germline. Affected: yes.
Comment: This variant is considered likely benign or benign based on one or more of the following criteria: it is a conservative change, it occurs at a poorly conserved position in the protein, it is predicted to be benign by multiple in silico algorithms, and/or has population frequency not consistent with disease.

NM_015272.5(RPGRIP1L):c.2959-265A>G

Gene: RPGRIP1L (RPGRIP1 like; minus strand). Cytogenetic location: 16q12.2.
Variant type: single nucleotide variant.
Coding change: c.2959-265A>G on transcript NM_015272.5 (MANE Select); 265 bases into the intron before coding-DNA position 2959, A replaced by G.
Molecular consequence: intron variant.
Genome position (GRCh38, 1-based): chr16:53,638,676, T>C on the plus strand (A>G on the coding strand, the complement: RPGRIP1L is on the minus strand). VCF-style: chr16-53638676-T-C. GRCh37 (hg19) VCF-style: chr16-53672588-T-C.
Other names: c.2959-822A>G (NM_001127897.4, NM_001330538.2); c.2959-265A>G (NM_001308334.3).
Identifiers: ClinVar variation 669394 (VCV000669394.1), dbSNP rs77511317, ClinGen allele CA281370147.
Genomic context (GRCh38, chr16:53,638,676, plus strand): 5'-CAAGTTTAGTTCATTGAAGCACTGTTTACAATAGCAAAAAAAAACTGAGAGCAATGCAAA[T>C]GTTCAACAGGGCATTAGTTAAATAAAATATGCTATATCCAAATACCTGAGTTCTGTGTAA-3'